The following is an entry in ClinVar:

ClinVar aggregate classification (germline): Likely pathogenic (1 of 4 stars; one submission).

Conditions:
Congenital hyperammonemia, type I. Also called: Carbamoyl phosphate synthetase I deficiency disease; CPS I DEFICIENCY; Carbamoyl phosphate synthetase 1 deficiency; Hyperammonemia due to carbamoyl phosphate synthetase 1 deficiency; CPS 1 deficiency; Carbamyl phosphate synthetase (CPS) deficiency. Identifiers: Orphanet 147, MedGen C4082171, MONDO:0009376, OMIM 237300.

Submission:

Myriad Genetics, Inc.
Classification: Likely pathogenic for Congenital hyperammonemia, type I. Last evaluated: 2022-04-02. Review status: criteria provided, single submitter. Criteria: Myriad Women's Health Autosomal Recessive and X-Linked Classification Criteria (2021). Collection method: clinical testing. Allele origin: unknown.
Comment: NM_001875.4(CPS1):c.3543_3546delTGGC(G1182Kfs*26) is expected to be pathogenic in the context of carbamoylphosphate synthetase I deficiency. This variant is predicted to lead to an abnormal or absent protein product due to the creation of a premature termination codon in CPS1, a gene where loss-of-function variants are known to be pathogenic. Please note: this variant was assessed in the context of healthy population screening.

NM_001875.5(CPS1):c.3543_3546del (p.Gly1182fs)

Gene: CPS1 (carbamoyl-phosphate synthase 1; plus strand). Cytogenetic location: 2q34.
Variant type: Deletion.
Coding change: c.3543_3546del on transcript NM_001875.5 (MANE Select); coding-DNA positions 3543 to 3546, 4 bases deleted (TGGC; older notation c.3543_3546delTGGC).
Protein change: p.Gly1182fs; shifts the reading frame from glycine 1182.
Molecular consequence: frameshift variant. On other transcripts: non-coding transcript variant (2).
Genome position (GRCh38, 1-based): chr2:210,654,087-210,654,090, TGGC deleted. VCF-style (leftmost placement, unchanged base first): chr2-210654086-TTGGC-T. GRCh37 (hg19) VCF-style: chr2-211518810-TTGGC-T.
Other names: c.3543_3546del, p.Gly1182fs (NM_001122633.3, NM_001369257.1); c.3576_3579del, p.Gly1193fs (NM_001369256.1); short protein forms G1182fs, G1193fs.
Identifiers: ClinVar variation 1725825 (VCV001725825.2), dbSNP rs2469311670, ClinGen allele CA2580065529.